The following is an entry in ClinVar:

NM_000632.4(ITGAM):c.2125C>T (p.Gln709Ter)

Gene: ITGAM (integrin subunit alpha M; plus strand). Cytogenetic location: 16p11.2.
Variant type: single nucleotide variant.
Coding change: c.2125C>T on transcript NM_000632.4 (MANE Select); coding-DNA position 2125, C replaced by T.
Protein change: p.Gln709Ter; replaces glutamine 709 with a stop codon.
Molecular consequence: nonsense.
Genome position (GRCh38, 1-based): chr16:31,324,521, C>T. VCF-style: chr16-31324521-C-T. GRCh37 (hg19) VCF-style: chr16-31335842-C-T.
Other names: c.2128C>T, p.Gln710Ter (NM_001145808.2); short protein forms Q710*, Q709*.
Identifiers: ClinVar variation 1922410 (VCV001922410.5), dbSNP rs2080485070, ClinGen allele CA395687558.

ClinVar aggregate classification (germline): Uncertain significance (1 of 4 stars; one submission).

Allele frequency attached by ClinVar (database versions not stated): TOPMed below 0.00001.

Submission:

Labcorp Genetics (formerly Invitae), Labcorp
Classification: Uncertain significance. Last evaluated: 2022-10-01. Review status: criteria provided, single submitter. Criteria: Invitae Variant Classification Sherloc (09022015). Collection method: clinical testing. Allele origin: germline.
Comment: In summary, the available evidence is currently insufficient to determine the role of this variant in disease. Therefore, it has been classified as a Variant of Uncertain Significance. This variant has not been reported in the literature in individuals affected with ITGAM-related conditions. This variant is not present in population databases (gnomAD no frequency). This sequence change creates a premature translational stop signal (p.Gln709*) in the ITGAM gene. It is expected to result in an absent or disrupted protein product. However, the current clinical and genetic evidence is not sufficient to establish whether loss-of-function variants in ITGAM cause disease.